The following is an entry in ClinVar:

NM_001128205.2(SULF1):c.1223G>A (p.Arg408His)

Gene: SULF1 (sulfatase 1; plus strand). Cytogenetic location: 8q13.3.
Variant type: single nucleotide variant.
Coding change: c.1223G>A on transcript NM_001128205.2 (MANE Select); coding-DNA position 1223, G replaced by A.
Protein change: p.Arg408His; replaces arginine 408 with histidine.
Molecular consequence: missense variant. On other transcripts: non-coding transcript variant (3).
Genome position (GRCh38, 1-based): chr8:69,603,632, G>A. VCF-style: chr8-69603632-G-A. GRCh37 (hg19) VCF-style: chr8-70515867-G-A.
Other names: c.1223G>A, p.Arg408His (NM_001128204.2, NM_001128206.2, NM_015170.3); short protein forms R408H.
Identifiers: ClinVar variation 1426669 (VCV001426669.6), dbSNP rs764592386, ClinGen allele CA4775820.

ClinVar aggregate classification (germline): Uncertain significance (1 of 4 stars; one submission).

Allele frequency attached by ClinVar (database versions not stated): gnomAD 0.00001 and 0.00002; ExAC 0.00002; gnomAD exomes 0.00002; TOPMed 0.00002.

Submission:

Labcorp Genetics (formerly Invitae), Labcorp
Classification: Uncertain significance. Last evaluated: 2025-11-10. Review status: criteria provided, single submitter. Criteria: Invitae Variant Classification Sherloc (09022015). Collection method: clinical testing. Allele origin: germline.
Comment: This sequence change replaces arginine, which is basic and polar, with histidine, which is basic and polar, at codon 408 of the SULF1 protein (p.Arg408His). This variant is present in population databases (rs764592386, gnomAD 0.004%). This variant has not been reported in the literature in individuals affected with SULF1-related conditions. ClinVar contains an entry for this variant (Variation ID: 1426669). An algorithm developed to predict the effect of missense changes on protein structure and function (PolyPhen-2) suggests that this variant is likely to be disruptive. In summary, the available evidence is currently insufficient to determine the role of this variant in disease. Therefore, it has been classified as a Variant of Uncertain Significance.